The following is an entry in ClinVar:

ClinVar aggregate classification (germline): Uncertain significance (1 of 4 stars; one submission).

Allele frequency attached by ClinVar (database versions not stated): gnomAD exomes below 0.00001.
gnomAD v4.1: 1 of 1,613,860 alleles (0.000062%); highest among the groups gnomAD compares: East Asian, 0.0022%; no homozygotes.

Submission:

Labcorp Genetics (formerly Invitae), Labcorp
Classification: Uncertain significance. Last evaluated: 2023-08-10. Review status: criteria provided, single submitter. Criteria: Invitae Variant Classification Sherloc (09022015). Collection method: clinical testing. Allele origin: germline.
Comment: This sequence change replaces aspartic acid, which is acidic and polar, with histidine, which is basic and polar, at codon 252 of the PDE6B protein (p.Asp252His). This variant is not present in population databases (gnomAD no frequency). This variant has not been reported in the literature in individuals affected with PDE6B-related conditions. Advanced modeling of protein sequence and biophysical properties (such as structural, functional, and spatial information, amino acid conservation, physicochemical variation, residue mobility, and thermodynamic stability) has been performed at Invitae for this missense variant, however the output from this modeling did not meet the statistical confidence thresholds required to predict the impact of this variant on PDE6B protein function. In summary, the available evidence is currently insufficient to determine the role of this variant in disease. Therefore, it has been classified as a Variant of Uncertain Significance.

NM_000283.4(PDE6B):c.754G>C (p.Asp252His)

Genes: PDE6B (phosphodiesterase 6B; plus strand), PDE6B-AS1 (PDE6B antisense RNA 1; minus strand). Cytogenetic location: 4p16.3.
Variant type: single nucleotide variant.
Coding change: c.754G>C on transcript NM_000283.4 (MANE Select); coding-DNA position 754, G replaced by C.
Protein change: p.Asp252His; replaces aspartic acid 252 with histidine.
Molecular consequence: missense variant. On other transcripts: non-coding transcript variant (2), 5 prime UTR variant (5).
Genome position (GRCh38, 1-based): chr4:653,894, G>C. VCF-style: chr4-653894-G-C. GRCh37 (hg19) VCF-style: chr4-647683-G-C.
Other names: c.754G>C, p.Asp252His (NM_001145291.2); c.-84G>C (NM_001145292.2, NM_001350154.3, NM_001379246.1 and 1 more transcripts); c.-287G>C (NM_001350155.3); short protein forms D252H.
Identifiers: ClinVar variation 2749427 (VCV002749427.3), dbSNP rs1210313417, ClinGen allele CA355910731.
Genomic context (GRCh38, chr4:653,894, plus strand): 5'-GTGTGCCCCTCCCTCCAGGTGCTGCTGTGGTCGGCCAACAAGGTGTTTGAGGAGCTGACG[G>C]ACATCGAGAGGCAGTTCCACAAGGCCTTCTACACGGTGCGGGCCTACCTCAACTGCGAGC-3'
Protein context (NP_000274.3, residues 242-262): SANKVFEELT[Asp252His]IERQFHKAFY